The following is an entry in ClinVar:

NM_022489.4(INF2):c.1870A>T (p.Arg624Trp)

Gene: INF2 (inverted formin 2; plus strand). Cytogenetic location: 14q32.33.
Variant type: single nucleotide variant.
Coding change: c.1870A>T on transcript NM_022489.4 (MANE Select); coding-DNA position 1870, A replaced by T.
Protein change: p.Arg624Trp; replaces arginine 624 with tryptophan.
Molecular consequence: missense variant.
Genome position (GRCh38, 1-based): chr14:104,708,570, A>T. VCF-style: chr14-104708570-A-T. GRCh37 (hg19) VCF-style: chr14-105174907-A-T.
Other names: c.1870A>T, p.Arg624Trp (NM_001031714.4, NM_001426862.1, NM_001426863.1 and 2 more transcripts); short protein forms R624W.
Identifiers: ClinVar variation 2924259 (VCV002924259.3), dbSNP rs2541925802, ClinGen allele CA391218854.
Genomic context (GRCh38, chr14:104,708,570, plus strand): 5'-CGACTATTCTCCTTCCCTGCAGCCAAGCCCAAGGAGCCCACCATGGTGGCCCCCCGGGCC[A>T]GGAAGGAGCCCAAGGAGGTGGGGACGGGGAGGGGACTCAGACCGGGGCCGCCTGCCTGGC-3'
Protein context (NP_071934.3, residues 614-634): KEPTMVAPRA[Arg624Trp]KEPKEITFLD

ClinVar aggregate classification (germline): Uncertain significance (1 of 4 stars; one submission).

Conditions:
Focal segmental glomerulosclerosis 5 (FSGS5). Identifiers: Orphanet 656, MedGen C2750475, MONDO:0013191, OMIM 613237.
Charcot-Marie-Tooth disease dominant intermediate E. Also called: CHARCOT-MARIE-TOOTH NEUROPATHY WITH FOCAL SEGMENTAL GLOMERULONEPHRITIS. Identifiers: Orphanet 93114, MedGen C4302667, MONDO:0013758, OMIM 614455.

gnomAD v4.1: 2 of 1,612,114 alleles (0.00012%); highest among the groups gnomAD compares: Non-Finnish European, 0.00017%; no homozygotes.

Submission:

Labcorp Genetics (formerly Invitae), Labcorp
Classification: Uncertain significance for Charcot-Marie-Tooth disease dominant intermediate E; Focal segmental glomerulosclerosis 5. Last evaluated: 2024-04-29. Review status: criteria provided, single submitter. Criteria: Invitae Variant Classification Sherloc (09022015). Collection method: clinical testing. Allele origin: germline.
Comment: This sequence change replaces arginine, which is basic and polar, with tryptophan, which is neutral and slightly polar, at codon 624 of the INF2 protein (p.Arg624Trp). This variant is not present in population databases (gnomAD no frequency). This variant has not been reported in the literature in individuals affected with INF2-related conditions. Advanced modeling of protein sequence and biophysical properties (such as structural, functional, and spatial information, amino acid conservation, physicochemical variation, residue mobility, and thermodynamic stability) performed at Invitae indicates that this missense variant is not expected to disrupt INF2 protein function with a negative predictive value of 95%. In summary, the available evidence is currently insufficient to determine the role of this variant in disease. Therefore, it has been classified as a Variant of Uncertain Significance.